The following is an entry in ClinVar:

NM_001710.6(CFB):c.1037-10C>G

Gene: CFB (complement factor B; plus strand). Cytogenetic location: 6p21.33.
Variant type: single nucleotide variant.
Coding change: c.1037-10C>G on transcript NM_001710.6 (MANE Select); 10 bases into the intron before coding-DNA position 1037, C replaced by G.
Molecular consequence: intron variant.
Genome position (GRCh38, 1-based): chr6:31,948,820, C>G. VCF-style: chr6-31948820-C-G. GRCh37 (hg19) VCF-style: chr6-31916597-C-G.
Other names: p.?.
Identifiers: ClinVar variation 356282 (VCV000356282.20), dbSNP rs201659953, ClinGen allele CA3728218.

ClinVar aggregate classification (germline): Benign/Likely benign. Review status: criteria provided, multiple submitters, no conflicts (2 of 4 stars). 9 submissions from 8 submitters: Benign (3); Likely benign (5). 1 of the submissions does not count toward it. Last evaluated 2026-02-05.

Conditions:
Atypical hemolytic-uremic syndrome with B factor anomaly. Also called: HEMOLYTIC UREMIC SYNDROME, ATYPICAL, SUSCEPTIBILITY TO, 4; AHUS, SUSCEPTIBILITY TO, 4. Identifiers: Orphanet 2134, MedGen C2752038, MONDO:0013042, OMIM 612924.
Macular degeneration. Also called: Degenerative disorder of macula. Identifiers: MedGen C0024437, MONDO:0003004, HP:0000608.
CFB-related disorder. Also called: CFB-related condition; CFB-related disorders.
Atypical hemolytic-uremic syndrome. Identifiers: Orphanet 2134, MedGen C2931788, MONDO:0016244.

Allele frequency attached by ClinVar (database versions not stated): 1000 Genomes Project 30x 0.00016; ESP Exome Variant Server 0.00024; TOPMed 0.00053.
gnomAD v4.1: 707 of 1,613,020 alleles (0.044%); highest among the groups gnomAD compares: Middle Eastern, 0.53%; 3 homozygotes.

Submissions (10):

Women's Health and Genetics/Laboratory Corporation of America, LabCorp
Classification: Benign. Last evaluated: 2026-02-05. Review status: criteria provided, single submitter. Criteria: LabCorp Variant Classification Summary - May 2015. Collection method: clinical testing. Allele origin: germline.
Comment: Variant summary: CFB c.1037-10C>G alters a nucleotide located at a position not widely known to affect splicing. Consensus agreement among computation tools predict no significant impact on normal splicing. However, these predictions have yet to be confirmed by functional studies. The variant allele was found at a frequency of 0.00044 in 1613020 control chromosomes, predominantly at a frequency of 0.009 within the Ashkenazi Jewish subpopulation in the gnomAD database, including 3 homozygotes. The observed variant frequency within Ashkenazi Jewish control individuals in the gnomAD database exceeds the estimated maximal expected allele frequency for disease-causing variants in CFB. To our knowledge, no occurrence of c.1037-10C>G in individuals affected with CFB-related conditions and no experimental evidence demonstrating its impact on protein function have been reported. The following publication has been ascertained in the context of this evaluation (PMID: 36845135). ClinVar contains an entry for this variant (Variation ID: 356282). Based on the evidence outlined above, the variant was classified as benign.

Labcorp Genetics (formerly Invitae), Labcorp
Classification: Benign. Last evaluated: 2026-01-26. Review status: criteria provided, single submitter. Criteria: Invitae Variant Classification Sherloc (09022015). Collection method: clinical testing. Allele origin: germline.

Genomenon, Inc
Classification: Likely benign for Atypical hemolytic-uremic syndrome. Last evaluated: 2025-09-26. Review status: criteria provided, single submitter. Criteria: Genomenon Sequence Variant Interpretation Standards - Updated. Collection method: curation. Allele origin: germline. Affected: no.
Comment: CFB c.1037-10C>G is an intronic variant located in intron 7. This variant has been reported in the published literature (PMID:36845135). In silico models agree that this variant is not damaging. This variant’s allele frequency in gnomAD is greater than expected for this disorder. In conclusion, we classify CFB c.1037-10C>G as a likely benign variant.

Mayo Clinic Laboratories, Mayo Clinic
Classification: Likely benign. Last evaluated: 2025-06-18. Review status: criteria provided, single submitter. Criteria: ACMG Guidelines, 2015. Collection method: clinical testing. Allele origin: germline. Observed: 5 variant alleles.
Comment: BP4, BP7

Blueprint Genetics
Classification: Likely benign. Last evaluated: 2024-11-11. Review status: criteria provided, single submitter. Criteria: ACMG Guidelines, 2015. Collection method: clinical testing. Allele origin: germline.

Illumina Laboratory Services, Illumina
Classification: Likely benign for Macular degeneration. Last evaluated: 2018-01-13. Review status: criteria provided, single submitter. Criteria: ICSL Variant Classification Criteria 13 December 2019. Collection method: clinical testing. Allele origin: germline.
Comment: This variant was observed in the ICSL laboratory as part of a predisposition screen in an ostensibly healthy population. It had not been previously curated by ICSL or reported in the Human Gene Mutation Database (HGMD: prior to June 1st, 2018), and was therefore a candidate for classification through an automated scoring system. Utilizing variant allele frequency, disease prevalence and penetrance estimates, and inheritance mode, an automated score was calculated to assess if this variant is too frequent to cause the disease. Based on the score and internal cut-off values, a variant classified as likely benign is not then subjected to further curation. The score for this variant resulted in a classification of likely benign for this disease.

Illumina Laboratory Services, Illumina
Classification: Benign for Atypical hemolytic-uremic syndrome with B factor anomaly. Last evaluated: 2018-01-13. Review status: criteria provided, single submitter. Criteria: ICSL Variant Classification Criteria 13 December 2019. Collection method: clinical testing. Allele origin: germline.
Comment: This variant was observed in the ICSL laboratory as part of a predisposition screen in an ostensibly healthy population. It had not been previously curated by ICSL or reported in the Human Gene Mutation Database (HGMD: prior to June 1st, 2018), and was therefore a candidate for classification through an automated scoring system. Utilizing variant allele frequency, disease prevalence and penetrance estimates, and inheritance mode, an automated score was calculated to assess if this variant is too frequent to cause the disease. Based on the score and internal cut-off values, a variant classified as benign is not then subjected to further curation. The score for this variant resulted in a classification of benign for this disease.

Breakthrough Genomics
Classification: Likely benign. Review status: criteria provided, single submitter. Criteria: ACMG Guidelines, 2015. Collection method: not provided. Allele origin: germline. Inheritance: Autosomal recessive inheritance. Affected: yes.

PreventionGenetics, part of Exact Sciences
Classification: Benign for CFB-related condition. Last evaluated: 2019-08-29. Review status: no assertion criteria provided. Collection method: clinical testing. Allele origin: germline. Not counted in ClinVar's aggregate classification.
Comment: This variant is classified as benign based on ACMG/AMP sequence variant interpretation guidelines (Richards et al. 2015 PMID: 25741868, with internal and published modifications).

Dr. Peter K. Rogan Lab, Western University
No classification provided (evidence only). Condition: Lung cancer. Review status: no classification provided. Collection method: in vitro. Allele origin: not applicable. Functional consequence: retained intron. Not counted in ClinVar's aggregate classification.

Literature cited by the submitters: PubMed 36845135 (cited by Women's Health and Genetics/Laboratory Corporation of America, LabCorp and Genomenon, Inc).